The following is an entry in ClinVar:

NM_000195.5(HPS1):c.637G>A (p.Val213Met)

Gene: HPS1 (HPS1 biogenesis of lysosomal organelles complex 3 subunit 1; minus strand). Cytogenetic location: 10q24.2.
Variant type: single nucleotide variant.
Coding change: c.637G>A on transcript NM_000195.5 (MANE Select); coding-DNA position 637, G replaced by A.
Protein change: p.Val213Met; replaces valine 213 with methionine.
Molecular consequence: missense variant. On other transcripts: 5 prime UTR variant (3), intron variant (5).
Genome position (GRCh38, 1-based): chr10:98,431,162, C>T on the plus strand (G>A on the coding strand, the complement: HPS1 is on the minus strand). VCF-style: chr10-98431162-C-T. GRCh37 (hg19) VCF-style: chr10-100190919-C-T.
Other names: c.637G>A, p.Val213Met (NM_001322477.2, NM_001322478.2, NM_001322479.2 and 3 more transcripts); c.268G>A, p.Val90Met (NM_001322483.2, NM_001322484.2, NM_001322485.2); c.-336G>A (NM_001322487.2); c.-237G>A (NM_001322489.2, NM_001311345.2); c.408-492G>A (NM_001322480.2, NM_001322482.2, NM_001322481.2); c.551-492G>A (NM_001322492.2, NM_001322490.2); short protein forms V90M, V213M.
Identifiers: ClinVar variation 2149309 (VCV002149309.2), dbSNP rs780017737, ClinGen allele CA5639345.

ClinVar aggregate classification (germline): Uncertain significance. Review status: criteria provided, multiple submitters, no conflicts (2 of 4 stars). 2 submissions from 2 submitters: Uncertain significance (2). Last evaluated 2024-02-17.

Conditions:
Hermansky-Pudlak syndrome 1 (HPS1). Also called: DELTA STORAGE POOL DISEASE. Identifiers: Orphanet 231500, Orphanet 79430, MedGen C2931875, MONDO:0008748, OMIM 203300.

Allele frequency attached by ClinVar (database versions not stated): ExAC 0.00001; TOPMed 0.00002; gnomAD 0.00003; gnomAD exomes 0.00003.
gnomAD v4.1: 51 of 1,614,036 alleles (0.0032%); highest among the groups gnomAD compares: African/African-American, 0.004%; no homozygotes.

Submissions (2):

Fulgent Genetics
Classification: Uncertain significance for Hermansky-Pudlak syndrome 1. Last evaluated: 2024-02-17. Review status: criteria provided, single submitter. Criteria: ACMG Guidelines, 2015. Collection method: clinical testing. Allele origin: germline.

Labcorp Genetics (formerly Invitae), Labcorp
Classification: Uncertain significance. Last evaluated: 2022-08-15. Review status: criteria provided, single submitter. Criteria: Invitae Variant Classification Sherloc (09022015). Collection method: clinical testing. Allele origin: germline.
Comment: This sequence change replaces valine, which is neutral and non-polar, with methionine, which is neutral and non-polar, at codon 213 of the HPS1 protein (p.Val213Met). This variant is present in population databases (rs780017737, gnomAD 0.005%). This variant has not been reported in the literature in individuals affected with HPS1-related conditions. Algorithms developed to predict the effect of missense changes on protein structure and function are either unavailable or do not agree on the potential impact of this missense change (SIFT: "Deleterious"; PolyPhen-2: "Possibly Damaging"; Align-GVGD: "Class C0"). In summary, the available evidence is currently insufficient to determine the role of this variant in disease. Therefore, it has been classified as a Variant of Uncertain Significance.